The following is an entry in ClinVar:

ClinVar aggregate classification (germline): Uncertain significance (1 of 4 stars; one submission).

Conditions:
Hypertrophic cardiomyopathy. Also called: HYPERTROPHIC MYOCARDIOPATHY. Identifiers: Orphanet 217569, MedGen C0007194, MeSH D002312, MONDO:0005045, HP:0001639.

Submission:

Labcorp Genetics (formerly Invitae), Labcorp
Classification: Uncertain significance for Hypertrophic cardiomyopathy. Last evaluated: 2023-11-18. Review status: criteria provided, single submitter. Criteria: Invitae Variant Classification Sherloc (09022015). Collection method: clinical testing. Allele origin: germline.
Comment: This sequence change replaces histidine, which is basic and polar, with proline, which is neutral and non-polar, at codon 191 of the MYL3 protein (p.His191Pro). This variant is not present in population databases (gnomAD no frequency). This variant has not been reported in the literature in individuals affected with MYL3-related conditions. An algorithm developed to predict the effect of missense changes on protein structure and function (PolyPhen-2) suggests that this variant is likely to be tolerated. In summary, the available evidence is currently insufficient to determine the role of this variant in disease. Therefore, it has been classified as a Variant of Uncertain Significance.

NM_000258.3(MYL3):c.572A>C (p.His191Pro)

Gene: MYL3 (myosin light chain 3; minus strand). Cytogenetic location: 3p21.31.
Variant type: single nucleotide variant.
Coding change: c.572A>C on transcript NM_000258.3 (MANE Select); coding-DNA position 572, A replaced by C.
Protein change: p.His191Pro; replaces histidine 191 with proline.
Molecular consequence: missense variant.
Genome position (GRCh38, 1-based): chr3:46,858,260, T>G on the plus strand (A>C on the coding strand, the complement: MYL3 is on the minus strand). VCF-style: chr3-46858260-T-G. GRCh37 (hg19) VCF-style: chr3-46899750-T-G.
Other names: c.572A>C, p.His191Pro (NM_001406937.1, NM_001406938.1, NM_001406939.1); c.398A>C, p.His133Pro (NM_001406940.1); c.383A>C, p.His128Pro (NM_001406941.1); short protein forms H191P, H128P, H133P.
Identifiers: ClinVar variation 3019205 (VCV003019205.3), dbSNP rs2544962722, ClinGen allele CA352495105.